The following is an entry in ClinVar:

NM_003995.4(NPR2):c.2739G>A (p.Met913Ile)

Genes: NPR2 (natriuretic peptide receptor 2; plus strand), SPAG8 (sperm associated antigen 8; minus strand). Cytogenetic location: 9p13.3.
Variant type: single nucleotide variant.
Coding change: c.2739G>A on transcript NM_003995.4 (MANE Select); coding-DNA position 2739, G replaced by A.
Protein change: p.Met913Ile; replaces methionine 913 with isoleucine.
Molecular consequence: missense variant. On other transcripts: intron variant (2).
Genome position (GRCh38, 1-based): chr9:35,808,535, G>A. VCF-style: chr9-35808535-G-A. GRCh37 (hg19) VCF-style: chr9-35808532-G-A.
Other names: c.2748G>A, p.Met916Ile (NM_001378923.1); c.1201-229C>T (NM_001366760.2); c.1373-229C>T (NM_172312.2); short protein forms M913I, M916I.
Identifiers: ClinVar variation 1520183 (VCV001520183.9), dbSNP rs2132100462, ClinGen allele CA373384848.

ClinVar aggregate classification (germline): Uncertain significance (1 of 4 stars; one submission).

Conditions:
Tall stature-scoliosis-macrodactyly of the great toes syndrome. Also called: Epiphyseal chondrodysplasia, miura type. Identifiers: Orphanet 329191, MedGen C4014690, MONDO:0014401, OMIM 615923.
Acromesomelic dysplasia 1, Maroteaux type (AMD1). Also called: ST. HELENA DYSPLASIA; ACROMESOMELIC DYSPLASIA 1. Identifiers: Orphanet 40, MedGen C1864356, MONDO:0011275, OMIM 602875.

Submission:

Labcorp Genetics (formerly Invitae), Labcorp
Classification: Uncertain significance for Tall stature-scoliosis-macrodactyly of the great toes syndrome; Acromesomelic dysplasia 1, Maroteaux type. Last evaluated: 2024-04-23. Review status: criteria provided, single submitter. Criteria: Invitae Variant Classification Sherloc (09022015). Collection method: clinical testing. Allele origin: germline.
Comment: This sequence change replaces methionine, which is neutral and non-polar, with isoleucine, which is neutral and non-polar, at codon 913 of the NPR2 protein (p.Met913Ile). This variant is not present in population databases (gnomAD no frequency). This missense change has been observed in individual(s) with NPR2-related conditions (Invitae). In at least one individual the data is consistent with being in trans (on the opposite chromosome) from a pathogenic variant. ClinVar contains an entry for this variant (Variation ID: 1520183). Advanced modeling of protein sequence and biophysical properties (such as structural, functional, and spatial information, amino acid conservation, physicochemical variation, residue mobility, and thermodynamic stability) performed at Invitae indicates that this missense variant is expected to disrupt NPR2 protein function with a positive predictive value of 80%. In summary, the available evidence is currently insufficient to determine the role of this variant in disease. Therefore, it has been classified as a Variant of Uncertain Significance.